The following is an entry in ClinVar:

NM_021830.5(TWNK):c.1366C>G (p.Leu456Val)

Gene: TWNK (twinkle mtDNA helicase; plus strand). Cytogenetic location: 10q24.31.
Variant type: single nucleotide variant.
Coding change: c.1366C>G on transcript NM_021830.5 (MANE Select); coding-DNA position 1366, C replaced by G.
Protein change: p.Leu456Val; replaces leucine 456 with valine.
Molecular consequence: missense variant. On other transcripts: non-coding transcript variant (5).
Genome position (GRCh38, 1-based): chr10:100,989,766, C>G. VCF-style: chr10-100989766-C-G. GRCh37 (hg19) VCF-style: chr10-102749523-C-G.
Other names: c.1366C>G, p.Leu456Val (NM_001163812.2); c.4C>G, p.Leu2Val (NM_001163813.2, NM_001163814.2, NM_001368275.1); short protein forms L456V, L2V.
Identifiers: ClinVar variation 56726 (VCV000056726.46), dbSNP rs386834145, ClinGen allele CA264201.

ClinVar aggregate classification (germline): Uncertain significance. Review status: criteria provided, multiple submitters, no conflicts (2 of 4 stars). 4 submissions from 4 submitters: Uncertain significance (3). 1 of the submissions does not count toward it. Last evaluated 2023-08-14.

Conditions:
TWNK-related disorder. Also called: TWNK-related condition.
Infantile onset spinocerebellar ataxia (MTDPS7). Also called: OHAHA SYNDROME; SPINOCEREBELLAR ATAXIA, INFANTILE, WITH SENSORY NEUROPATHY; OPHTHALMOPLEGIA, HYPOTONIA, ATAXIA, HYPOACUSIS, AND ATHETOSIS; Mitochondrial DNA depletion syndrome 7 (hepatocerebral type). Identifiers: Orphanet 1186, MedGen C1849096, MONDO:0010060, OMIM 271245.

Submissions (4):

PreventionGenetics, part of Exact Sciences
Classification: Uncertain significance for TWNK-related condition. Last evaluated: 2023-08-14. Review status: criteria provided, single submitter. Criteria: ACMG Guidelines, 2015. Collection method: clinical testing. Allele origin: germline.
Comment: The TWNK c.1366C>G variant is predicted to result in the amino acid substitution p.Leu456Val. This variant has been reported in the homozygous state in two siblings from a consanguineous family with infantile onset spinocerebellar ataxia (Dündar et al. 2012. PubMed ID: 22353293). This variant has not been reported in a large population database, indicating this variant is rare. At this time, the clinical significance of this variant is uncertain due to the absence of conclusive functional and genetic evidence.

GeneDx
Classification: Uncertain significance. Last evaluated: 2021-06-16. Review status: criteria provided, single submitter. Criteria: GeneDx Variant Classification Process June 2021. Collection method: clinical testing. Allele origin: germline. Affected: yes.
Comment: In silico analysis supports that this missense variant has a deleterious effect on protein structure/function; This variant is associated with the following publications: (PMID: 22353293, 27535533, 24091712, 24816431, 23510774, 25568878, 24102492, 27551684, 26615986)

CeGaT Center for Human Genetics Tuebingen
Classification: Uncertain significance. Last evaluated: 2016-08-01. Review status: criteria provided, single submitter. Criteria: CeGaT Center For Human Genetics Tuebingen Variant Classification Criteria Version 2. Collection method: clinical testing. Allele origin: germline. Affected: yes. Observed: 1 variant allele.

Juha Muilu Group; Institute for Molecular Medicine Finland (FIMM)
Classification: Likely pathogenic for Spinocerebellar ataxia, infantile-onset. Review status: no assertion criteria provided. Collection method: not provided. Allele origin: unknown. Not counted in ClinVar's aggregate classification.
Comment: FinDis database variant: This variant was not found or characterized by our laboratory, data were collected from public sources: see reference
ClinVar note: Converted during submission from probable-pathogenic to Likely pathogenic.